The following is an entry in ClinVar:

NM_000718.4(CACNA1B):c.6928G>A (p.Val2310Met)

Gene: CACNA1B (calcium voltage-gated channel subunit alpha1 B; plus strand). Cytogenetic location: 9q34.3.
Variant type: single nucleotide variant.
Coding change: c.6928G>A on transcript NM_000718.4 (MANE Select); coding-DNA position 6928, G replaced by A.
Protein change: p.Val2310Met; replaces valine 2310 with methionine.
Molecular consequence: missense variant. On other transcripts: 3 prime UTR variant (1).
Genome position (GRCh38, 1-based): chr9:138,121,907, G>A. VCF-style: chr9-138121907-G-A. GRCh37 (hg19) VCF-style: chr9-141016359-G-A.
Other names: c.*27G>A (NM_001243812.2); short protein forms V2310M.
Identifiers: ClinVar variation 2083659 (VCV002083659.2), dbSNP rs201689533, ClinGen allele CA5377839.

ClinVar aggregate classification (germline): Uncertain significance (1 of 4 stars; one submission).

Allele frequency attached by ClinVar (database versions not stated): gnomAD 0.00002; ExAC 0.00006; TOPMed 0.00008.
gnomAD v4.1: 116 of 1,611,586 alleles (0.0072%); highest among the groups gnomAD compares: South Asian, 0.0088%; no homozygotes.

Submission:

Labcorp Genetics (formerly Invitae), Labcorp
Classification: Uncertain significance. Last evaluated: 2023-12-08. Review status: criteria provided, single submitter. Criteria: Invitae Variant Classification Sherloc (09022015). Collection method: clinical testing. Allele origin: germline.
Comment: This sequence change replaces valine, which is neutral and non-polar, with methionine, which is neutral and non-polar, at codon 2310 of the CACNA1B protein (p.Val2310Met). This variant is present in population databases (rs201689533, gnomAD 0.01%). This missense change has been observed in individual(s) with cervical dystonia (PMID: 35041927). ClinVar contains an entry for this variant (Variation ID: 2083659). An algorithm developed to predict the effect of missense changes on protein structure and function (PolyPhen-2) suggests that this variant is likely to be disruptive. In summary, the available evidence is currently insufficient to determine the role of this variant in disease. Therefore, it has been classified as a Variant of Uncertain Significance.

Literature cited by the submitters: PubMed 35041927.